The following is an entry in ClinVar:

NM_002471.4(MYH6):c.3721A>G (p.Ile1241Val)

Gene: MYH6 (myosin heavy chain 6; minus strand). Cytogenetic location: 14q11.2.
Variant type: single nucleotide variant.
Coding change: c.3721A>G on transcript NM_002471.4 (MANE Select); coding-DNA position 3721, A replaced by G.
Protein change: p.Ile1241Val; replaces isoleucine 1241 with valine.
Molecular consequence: missense variant.
Genome position (GRCh38, 1-based): chr14:23,390,068, T>C on the plus strand (A>G on the coding strand, the complement: MYH6 is on the minus strand). VCF-style: chr14-23390068-T-C. GRCh37 (hg19) VCF-style: chr14-23859277-T-C.
Other names: short protein forms I1241V.
Identifiers: ClinVar variation 3621141 (VCV003621141.2).

ClinVar aggregate classification (germline): Uncertain significance (1 of 4 stars; one submission).

Conditions:
Hypertrophic cardiomyopathy 14. Identifiers: MedGen C2750467, MONDO:0013197, OMIM 613251.

Submission:

Labcorp Genetics (formerly Invitae), Labcorp
Classification: Uncertain significance for Hypertrophic cardiomyopathy 14. Last evaluated: 2024-12-30. Review status: criteria provided, single submitter. Criteria: Invitae Variant Classification Sherloc (09022015). Collection method: clinical testing. Allele origin: germline.
Comment: This sequence change replaces isoleucine, which is neutral and non-polar, with valine, which is neutral and non-polar, at codon 1241 of the MYH6 protein (p.Ile1241Val). This variant is not present in population databases (gnomAD no frequency). This variant has not been reported in the literature in individuals affected with MYH6-related conditions. Invitae Evidence Modeling of protein sequence and biophysical properties (such as structural, functional, and spatial information, amino acid conservation, physicochemical variation, residue mobility, and thermodynamic stability) indicates that this missense variant is not expected to disrupt MYH6 protein function with a negative predictive value of 80%. In summary, the available evidence is currently insufficient to determine the role of this variant in disease. Therefore, it has been classified as a Variant of Uncertain Significance.